The following is an entry in ClinVar:

NM_015404.4(WHRN):c.1507A>G (p.Met503Val)

Gene: WHRN (whirlin; minus strand). Cytogenetic location: 9q32.
Variant type: single nucleotide variant.
Coding change: c.1507A>G on transcript NM_015404.4 (MANE Select); coding-DNA position 1507, A replaced by G.
Protein change: p.Met503Val; replaces methionine 503 with valine.
Molecular consequence: missense variant.
Genome position (GRCh38, 1-based): chr9:114,423,433, T>C on the plus strand (A>G on the coding strand, the complement: WHRN is on the minus strand). VCF-style: chr9-114423433-T-C. GRCh37 (hg19) VCF-style: chr9-117185713-T-C.
Other names: c.358A>G, p.Met120Val (NM_001083885.3); c.1507A>G, p.Met503Val (NM_001173425.2); c.454A>G, p.Met152Val (NM_001346890.1); short protein forms M503V, M120V, M152V.
Identifiers: ClinVar variation 1425230 (VCV001425230.3), dbSNP rs201138894, ClinGen allele CA198633319.

ClinVar aggregate classification (germline): Uncertain significance (1 of 4 stars; one submission).

gnomAD v4.1: 12 of 1,613,984 alleles (0.00074%); highest among the groups gnomAD compares: Admixed American, 0.015%; no homozygotes.

Submission:

Labcorp Genetics (formerly Invitae), Labcorp
Classification: Uncertain significance. Last evaluated: 2022-09-01. Review status: criteria provided, single submitter. Criteria: Invitae Variant Classification Sherloc (09022015). Collection method: clinical testing. Allele origin: germline.
Comment: This sequence change replaces methionine, which is neutral and non-polar, with valine, which is neutral and non-polar, at codon 503 of the WHRN protein (p.Met503Val). This variant is not present in population databases (gnomAD no frequency). This variant has not been reported in the literature in individuals affected with WHRN-related conditions. ClinVar contains an entry for this variant (Variation ID: 1425230). Algorithms developed to predict the effect of missense changes on protein structure and function are either unavailable or do not agree on the potential impact of this missense change (SIFT: "Deleterious"; PolyPhen-2: "Benign"; Align-GVGD: "Class C0"). In summary, the available evidence is currently insufficient to determine the role of this variant in disease. Therefore, it has been classified as a Variant of Uncertain Significance.